The following is an entry in ClinVar:

NM_032634.4(PIGO):c.2674G>A (p.Val892Ile)

Gene: PIGO (phosphatidylinositol glycan anchor biosynthesis class O; minus strand). Cytogenetic location: 9p13.3.
Variant type: single nucleotide variant.
Coding change: c.2674G>A on transcript NM_032634.4 (MANE Select); coding-DNA position 2674, G replaced by A.
Protein change: p.Val892Ile; replaces valine 892 with isoleucine.
Molecular consequence: missense variant.
Genome position (GRCh38, 1-based): chr9:35,090,646, C>T on the plus strand (G>A on the coding strand, the complement: PIGO is on the minus strand). VCF-style: chr9-35090646-C-T. GRCh37 (hg19) VCF-style: chr9-35090643-C-T.
Other names: c.1423G>A, p.Val475Ile (NM_001201484.2, NM_152850.4); short protein forms V475I, V892I.
Identifiers: ClinVar variation 3720725 (VCV003720725.2).
Genomic context (GRCh38, chr9:35,090,646, plus strand): 5'-AGACAGGCTGGTGGCCTGTGGAGTAGAAGGTCTGTGTGGCCATGAGGGCCCAAGCCGAGA[C>T]TGCCTGCCATGGCACAGTAAAAGGACCTGGAAGAAAAGATATGCCACGTTACAGTCACTT-3'
Protein context (NP_116023.2, residues 882-902): PGPFTVPWQA[Val892Ile]SAWALMATQT

ClinVar aggregate classification (germline): Uncertain significance (1 of 4 stars; one submission).

Conditions:
Hyperphosphatasia with impaired intellectual development syndrome 2. Also called: GLYCOSYLPHOSPHATIDYLINOSITOL BIOSYNTHESIS DEFECT 6; Hyperphosphatasia with intellectual disability syndrome 2. Identifiers: Orphanet 247262, MedGen C3553637, MONDO:0013882, OMIM 614749.

Submission:

Labcorp Genetics (formerly Invitae), Labcorp
Classification: Uncertain significance for Hyperphosphatasia with impaired intellectual development syndrome 2. Last evaluated: 2024-10-05. Review status: criteria provided, single submitter. Criteria: Invitae Variant Classification Sherloc (09022015). Collection method: clinical testing. Allele origin: germline.
Comment: This sequence change replaces valine, which is neutral and non-polar, with isoleucine, which is neutral and non-polar, at codon 892 of the PIGO protein (p.Val892Ile). This variant is not present in population databases (gnomAD no frequency). This variant has not been reported in the literature in individuals affected with PIGO-related conditions. Invitae Evidence Modeling of protein sequence and biophysical properties (such as structural, functional, and spatial information, amino acid conservation, physicochemical variation, residue mobility, and thermodynamic stability) indicates that this missense variant is not expected to disrupt PIGO protein function with a negative predictive value of 95%. In summary, the available evidence is currently insufficient to determine the role of this variant in disease. Therefore, it has been classified as a Variant of Uncertain Significance.